The following is an entry in ClinVar:

NM_000141.5(FGFR2):c.1068G>C (p.Trp356Cys)

Gene: FGFR2 (fibroblast growth factor receptor 2; minus strand). Cytogenetic location: 10q26.13.
Variant type: single nucleotide variant.
Coding change: c.1068G>C on transcript NM_000141.5 (MANE Select); coding-DNA position 1068, G replaced by C.
Protein change: p.Trp356Cys; replaces tryptophan 356 with cysteine.
Molecular consequence: missense variant. On other transcripts: non-coding transcript variant (1), intron variant (7).
Genome position (GRCh38, 1-based): chr10:121,517,335, C>G on the plus strand (G>C on the coding strand, the complement: FGFR2 is on the minus strand). VCF-style: chr10-121517335-C-G. GRCh37 (hg19) VCF-style: chr10-123276849-C-G.
Other names: c.801G>C, p.Trp267Cys (NM_001144915.2, NM_001441089.1, NM_023029.3); c.723G>C, p.Trp241Cys (NM_001144916.2, NM_001144918.2, NM_001441090.1 and 1 more transcripts); c.384G>C, p.Trp128Cys (NM_001320654.2); c.1068G>C, p.Trp356Cys (NM_001320658.2); c.749-2016G>C (NM_001144914.1); c.820+1347G>C (NM_001441088.1, NM_001144919.2); c.939+2644G>C (NM_001144917.2); c.1087+1347G>C (NM_001441087.1, NM_022970.4, NM_001144913.1); short protein forms W356C, W128C, W241C, W267C.
Identifiers: ClinVar variation 4742980 (VCV004742980.1).

ClinVar aggregate classification (germline): Uncertain significance (1 of 4 stars; one submission).

Conditions:
FGFR2-related craniosynostosis. Identifiers: MedGen CN231480.

Submission:

Labcorp Genetics (formerly Invitae), Labcorp
Classification: Uncertain significance for FGFR2-related craniosynostosis. Last evaluated: 2026-01-11. Review status: criteria provided, single submitter. Criteria: Invitae Variant Classification Sherloc (09022015). Collection method: clinical testing. Allele origin: germline.
Comment: This sequence change replaces tryptophan, which is neutral and slightly polar, with cysteine, which is neutral and slightly polar, at codon 356 of the FGFR2 protein (p.Trp356Cys). This variant is not present in population databases (gnomAD no frequency). This variant has not been reported in the literature in individuals affected with FGFR2-related conditions. Invitae Evidence Modeling of protein sequence and biophysical properties (such as structural, functional, and spatial information, amino acid conservation, physicochemical variation, residue mobility, and thermodynamic stability) indicates that this missense variant is expected to disrupt FGFR2 protein function with a positive predictive value of 80%. This variant disrupts the p.Trp356 amino acid residue in FGFR2. Other variant(s) that disrupt this residue have been determined to be pathogenic (internal data). This suggests that this residue is clinically significant, and that variants that disrupt this residue are likely to be disease-causing. In summary, the available evidence is currently insufficient to determine the role of this variant in disease. Therefore, it has been classified as a Variant of Uncertain Significance.